The following is an entry in ClinVar:

ClinVar aggregate classification (germline): Uncertain significance. Review status: criteria provided, multiple submitters, no conflicts (2 of 4 stars). 2 submissions from 2 submitters: Uncertain significance (2). Last evaluated 2025-06-16.

Submissions (2):

GeneDx
Classification: Uncertain significance. Last evaluated: 2025-06-16. Review status: criteria provided, single submitter. Criteria: GeneDx Variant Classification Process June 2021. Collection method: clinical testing. Allele origin: germline. Affected: yes.
Comment: Not observed at significant frequency in large population cohorts (gnomAD); In silico analysis suggests that this missense variant does not alter protein structure/function; Has not been previously published as pathogenic or benign to our knowledge

Revvity Omics, Revvity
Classification: Uncertain significance. Last evaluated: 2021-02-05. Review status: criteria provided, single submitter. Criteria: ACMG Guidelines, 2015. Collection method: clinical testing. Allele origin: germline.

NM_000426.4(LAMA2):c.3741G>A (p.Met1247Ile)

Gene: LAMA2 (laminin subunit alpha 2; plus strand). Cytogenetic location: 6q22.33.
Variant type: single nucleotide variant.
Coding change: c.3741G>A on transcript NM_000426.4 (MANE Select); coding-DNA position 3741, G replaced by A.
Protein change: p.Met1247Ile; replaces methionine 1247 with isoleucine.
Molecular consequence: missense variant.
Genome position (GRCh38, 1-based): chr6:129,315,767, G>A. VCF-style: chr6-129315767-G-A. GRCh37 (hg19) VCF-style: chr6-129636912-G-A.
Other names: c.3741G>A, p.Met1247Ile (NM_001079823.2); short protein forms M1247I.
Identifiers: ClinVar variation 2433337 (VCV002433337.4), dbSNP rs1423809515, ClinGen allele CA365613177.